The following is an entry in ClinVar:

NM_052945.4(TNFRSF13C):c.62C>G (p.Pro21Arg)

Genes: TNFRSF13C (TNF receptor superfamily member 13C; minus strand), LOC130067574 (ATAC-STARR-seq lymphoblastoid silent region 13813; plus strand). Cytogenetic location: 22q13.2.
Variant type: single nucleotide variant.
Coding change: c.62C>G on transcript NM_052945.4 (MANE Select); coding-DNA position 62, C replaced by G.
Protein change: p.Pro21Arg; replaces proline 21 with arginine.
Molecular consequence: missense variant.
Genome position (GRCh38, 1-based): chr22:41,926,712, G>C on the plus strand (C>G on the coding strand, the complement: TNFRSF13C is on the minus strand). VCF-style: chr22-41926712-G-C. GRCh37 (hg19) VCF-style: chr22-42322716-G-C.
Other names: p.Pro21Arg; short protein forms P21R.
Identifiers: ClinVar variation 341883 (VCV000341883.59), dbSNP rs77874543, ClinGen allele CA10262524.

ClinVar aggregate classification (germline): Conflicting classifications of pathogenicity. Review status: criteria provided, conflicting classifications (1 of 4 stars). 8 submissions from 8 submitters: Uncertain significance (1); Benign (3); Likely benign (4). Last evaluated 2026-02-03.

Conditions:
Immunodeficiency, common variable, 4. Also called: ANTIBODY DEFICIENCY DUE TO BAFFR DEFECT. Identifiers: Orphanet 1572, Orphanet 696925, MedGen C3150739, MONDO:0013284, OMIM 613494.

Allele frequency attached by ClinVar (database versions not stated): ESP Exome Variant Server 0.02283; 1000 Genomes Project 0.04453; 1000 Genomes Project 30x 0.04497; TOPMed 0.05131; gnomAD 0.05538 and 0.05593; gnomAD exomes 0.06065 and 0.07610; ExAC 0.06803.
gnomAD v4.1: 106,691 of 1,449,142 alleles (7.4%); highest among the groups gnomAD compares: Non-Finnish European, 8.1%; 4,214 homozygotes.

Submissions (8):

Labcorp Genetics (formerly Invitae), Labcorp
Classification: Likely benign for Immunodeficiency, common variable, 4. Last evaluated: 2026-02-03. Review status: criteria provided, single submitter. Criteria: Invitae Variant Classification Sherloc (09022015). Collection method: clinical testing. Allele origin: germline.

Women's Health and Genetics/Laboratory Corporation of America, LabCorp
Classification: Likely benign. Last evaluated: 2026-01-21. Review status: criteria provided, single submitter. Criteria: LabCorp Variant Classification Summary - May 2015. Collection method: clinical testing. Allele origin: germline.

ARUP Laboratories, Molecular Genetics and Genomics, ARUP Laboratories
Classification: Likely benign for Immunodeficiency, common variable, 4. Last evaluated: 2022-04-01. Review status: criteria provided, single submitter. Criteria: ARUP Molecular Germline Variant Investigation Process. Collection method: clinical testing. Allele origin: germline.

GeneDx
Classification: Benign. Last evaluated: 2020-07-22. Review status: criteria provided, single submitter. Criteria: GeneDx Variant Classification Process June 2021. Collection method: clinical testing. Allele origin: germline. Affected: yes.
Comment: This variant is associated with the following publications: (PMID: 31309545, 29867916, 26613719, 27884173, 22699762, 24727458)

Mayo Clinic Laboratories, Mayo Clinic
Classification: Benign. Last evaluated: 2018-06-15. Review status: criteria provided, single submitter. Criteria: ACMG Guidelines, 2015. Collection method: clinical testing. Allele origin: germline. Observed: 15 variant alleles.

CeGaT Center for Human Genetics Tuebingen
Classification: Uncertain significance. Last evaluated: 2018-03-01. Review status: criteria provided, single submitter. Criteria: CeGaT Center For Human Genetics Tuebingen Variant Classification Criteria Version 2. Collection method: clinical testing. Allele origin: germline. Affected: yes. Observed: 1 variant allele.

Illumina Laboratory Services, Illumina
Classification: Benign for Immunodeficiency, common variable, 4. Last evaluated: 2018-01-13. Review status: criteria provided, single submitter. Criteria: ICSL Variant Classification Criteria 13 December 2019. Collection method: clinical testing. Allele origin: germline.
Comment: This variant was observed in the ICSL laboratory as part of a predisposition screen in an ostensibly healthy population. It had not been previously curated by ICSL or reported in the Human Gene Mutation Database (HGMD: prior to June 1st, 2018), and was therefore a candidate for classification through an automated scoring system. Utilizing variant allele frequency, disease prevalence and penetrance estimates, and inheritance mode, an automated score was calculated to assess if this variant is too frequent to cause the disease. Based on the score and internal cut-off values, a variant classified as benign is not then subjected to further curation. The score for this variant resulted in a classification of benign for this disease.

Breakthrough Genomics
Classification: Likely benign. Review status: criteria provided, single submitter. Criteria: ACMG Guidelines, 2015. Collection method: not provided. Allele origin: germline. Inheritance: Autosomal recessive inheritance. Affected: yes.